The following is an entry in ClinVar:

NM_005026.5(PIK3CD):c.1303G>A (p.Gly435Arg)

Genes: PIK3CD (phosphatidylinositol-4,5-bisphosphate 3-kinase catalytic subunit delta; plus strand), LOC126805612 (MED14-independent group 3 enhancer GRCh37_chr1:9778914-9780113; plus strand). Cytogenetic location: 1p36.22.
Variant type: single nucleotide variant.
Coding change: c.1303G>A on transcript NM_005026.5 (MANE Select); coding-DNA position 1303, G replaced by A.
Protein change: p.Gly435Arg; replaces glycine 435 with arginine.
Molecular consequence: missense variant.
Genome position (GRCh38, 1-based): chr1:9,719,981, G>A. VCF-style: chr1-9719981-G-A. GRCh37 (hg19) VCF-style: chr1-9780039-G-A.
Other names: c.1303G>A, p.Gly435Arg (NM_001350234.2); c.1216G>A, p.Gly406Arg (NM_001350235.1); short protein forms G435R, G406R.
Identifiers: ClinVar variation 2820848 (VCV002820848.3), dbSNP rs2524986752, ClinGen allele CA338302573.

ClinVar aggregate classification (germline): Uncertain significance (1 of 4 stars; one submission).

Conditions:
Immunodeficiency 14 (IMD14A). Also called: p110-DELTA-ACTIVATING MUTATION CAUSING SENESCENT T CELLS, LYMPHADENOPATHY, AND IMMUNODEFICIENCY; IMMUNODEFICIENCY 14A WITH LYMPHOPROLIFERATION, AUTOSOMAL DOMINANT; ACTIVATED PI3K-DELTA SYNDROME 1; Activated PI3K Delta Syndrome Type 1 (APDS1). Identifiers: Orphanet 397596, Orphanet 693661, MedGen C5907821, MONDO:0014222, OMIM 615513.

Allele frequency attached by ClinVar (database versions not stated): gnomAD exomes below 0.00001.
gnomAD v4.1: 2 of 1,613,718 alleles (0.00012%); highest among the groups gnomAD compares: Non-Finnish European, 0.00017%; no homozygotes.

Submission:

Labcorp Genetics (formerly Invitae), Labcorp
Classification: Uncertain significance for Activated PI3K-delta syndrome. Last evaluated: 2023-10-10. Review status: criteria provided, single submitter. Criteria: Invitae Variant Classification Sherloc (09022015). Collection method: clinical testing. Allele origin: germline.
Comment: This sequence change replaces glycine, which is neutral and non-polar, with arginine, which is basic and polar, at codon 435 of the PIK3CD protein (p.Gly435Arg). This variant is not present in population databases (gnomAD no frequency). This variant has not been reported in the literature in individuals affected with PIK3CD-related conditions. Advanced modeling of protein sequence and biophysical properties (such as structural, functional, and spatial information, amino acid conservation, physicochemical variation, residue mobility, and thermodynamic stability) performed at Invitae indicates that this missense variant is expected to disrupt PIK3CD protein function. In summary, the available evidence is currently insufficient to determine the role of this variant in disease. Therefore, it has been classified as a Variant of Uncertain Significance.